The following is an entry in ClinVar:

NM_005732.4(RAD50):c.3487A>T (p.Ile1163Leu)

Genes: RAD50 (RAD50 double strand break repair protein; plus strand), TH2-LCR (Th2 cytokine locus control region; plus strand), TH2LCRR (T helper type 2 locus control region associated RNA; minus strand). Cytogenetic location: 5q31.1.
Variant type: single nucleotide variant.
Coding change: c.3487A>T on transcript NM_005732.4 (MANE Select); coding-DNA position 3487, A replaced by T.
Protein change: p.Ile1163Leu; replaces isoleucine 1163 with leucine.
Molecular consequence: missense variant. On other transcripts: non-coding transcript variant (2).
Genome position (GRCh38, 1-based): chr5:132,638,092, A>T. VCF-style: chr5-132638092-A-T. GRCh37 (hg19) VCF-style: chr5-131973784-A-T.
Other names: short protein forms I1163L.
Identifiers: ClinVar variation 656410 (VCV000656410.11), dbSNP rs1294482423, ClinGen allele CA360931116.
Genomic context (GRCh38, chr5:132,638,092, plus strand): 5'-AAGGCTACAGAGCATAGGTTCCTCTAAAATATTCTTCTTCCTGTGTCAGATATTGAATAC[A>T]TAGAAATACGGTCTGATGCCGATGAAAATGTATCAGCTTCTGATAAAAGGCGGAATTATA-3'
Protein context (NP_005723.2, residues 1153-1173): STYRGQDIEY[Ile1163Leu]EIRSDADENV

ClinVar aggregate classification (germline): Uncertain significance. Review status: criteria provided, multiple submitters, no conflicts (2 of 4 stars). 2 submissions from 2 submitters: Uncertain significance (2). Last evaluated 2025-11-03.

Conditions:
Hereditary cancer-predisposing syndrome. Also called: Hereditary neoplastic syndrome; Tumor predisposition; Neoplastic Syndromes, Hereditary; Hereditary Cancer Syndrome. Identifiers: Orphanet 140162, MedGen C0027672, MeSH D009386, MONDO:0015356.

Allele frequency attached by ClinVar (database versions not stated): gnomAD exomes below 0.00001.
gnomAD v4.1: 5 of 1,614,154 alleles (0.00031%); highest among the groups gnomAD compares: Non-Finnish European, 0.00042%; no homozygotes.

Submissions (2):

Labcorp Genetics (formerly Invitae), Labcorp
Classification: Uncertain significance for Hereditary cancer-predisposing syndrome. Last evaluated: 2025-11-03. Review status: criteria provided, single submitter. Criteria: Invitae Variant Classification Sherloc (09022015). Collection method: clinical testing. Allele origin: germline.
Comment: This sequence change replaces isoleucine, which is neutral and non-polar, with leucine, which is neutral and non-polar, at codon 1163 of the RAD50 protein (p.Ile1163Leu). This variant is not present in population databases (gnomAD no frequency). This variant has not been reported in the literature in individuals affected with RAD50-related conditions. ClinVar contains an entry for this variant (Variation ID: 656410). Invitae Evidence Modeling of protein sequence and biophysical properties (such as structural, functional, and spatial information, amino acid conservation, physicochemical variation, residue mobility, and thermodynamic stability) has been performed for this missense variant. However, the output from this modeling did not meet the statistical confidence thresholds required to predict the impact of this variant on RAD50 protein function. In summary, the available evidence is currently insufficient to determine the role of this variant in disease. Therefore, it has been classified as a Variant of Uncertain Significance.

Ambry Genetics
Classification: Uncertain significance for Hereditary cancer-predisposing syndrome. Last evaluated: 2023-10-23. Review status: criteria provided, single submitter. Criteria: Ambry Variant Classification Scheme 2023. Collection method: clinical testing. Allele origin: germline.
Comment: The p.I1163L variant (also known as c.3487A>T), located in coding exon 23 of the RAD50 gene, results from an A to T substitution at nucleotide position 3487. The isoleucine at codon 1163 is replaced by leucine, an amino acid with highly similar properties. This amino acid position is well conserved in available vertebrate species. In addition, the in silico prediction for this alteration is inconclusive. Since supporting evidence is limited at this time, the clinical significance of this alteration remains unclear.